The following is an entry in ClinVar:

ClinVar aggregate classification (germline): Uncertain significance (1 of 4 stars; one submission).

Conditions:
Charcot-Marie-Tooth disease type 2. Also called: Charcot-Marie-Tooth type 2. Identifiers: Orphanet 64746, MedGen C0270914, MONDO:0018993.

Allele frequency attached by ClinVar (database versions not stated): ExAC 0.00001; gnomAD exomes 0.00001; TOPMed 0.00003; gnomAD 0.00002.
gnomAD v4.1: 15 of 1,613,986 alleles (0.00093%); highest among the groups gnomAD compares: Middle Eastern, 0.016%; no homozygotes.

Submission:

Labcorp Genetics (formerly Invitae), Labcorp
Classification: Uncertain significance for Charcot-Marie-Tooth disease type 2. Last evaluated: 2024-12-23. Review status: criteria provided, single submitter. Criteria: Invitae Variant Classification Sherloc (09022015). Collection method: clinical testing. Allele origin: germline.
Comment: This sequence change replaces isoleucine, which is neutral and non-polar, with valine, which is neutral and non-polar, at codon 140 of the BSCL2 protein (p.Ile140Val). This variant is present in population databases (rs759642646, gnomAD 0.003%). This missense change has been observed in individual(s) with clinical features of autosomal dominant BSCL2-related conditions (internal data). ClinVar contains an entry for this variant (Variation ID: 1511967). Invitae Evidence Modeling of protein sequence and biophysical properties (such as structural, functional, and spatial information, amino acid conservation, physicochemical variation, residue mobility, and thermodynamic stability) indicates that this missense variant is not expected to disrupt BSCL2 protein function with a negative predictive value of 80%. In summary, the available evidence is currently insufficient to determine the role of this variant in disease. Therefore, it has been classified as a Variant of Uncertain Significance.

NM_001122955.4(BSCL2):c.610A>G (p.Ile204Val)

Genes: BSCL2 (BSCL2 lipid droplet biogenesis associated, seipin; minus strand), HNRNPUL2-BSCL2 (HNRNPUL2-BSCL2 readthrough (NMD candidate); minus strand). Cytogenetic location: 11q12.3.
Variant type: single nucleotide variant.
Coding change: c.610A>G on transcript NM_001122955.4 (MANE Select); coding-DNA position 610, A replaced by G.
Protein change: p.Ile204Val; replaces isoleucine 204 with valine.
Molecular consequence: missense variant. On other transcripts: non-coding transcript variant (1).
Genome position (GRCh38, 1-based): chr11:62,694,588, T>C on the plus strand (A>G on the coding strand, the complement: BSCL2 is on the minus strand). VCF-style: chr11-62694588-T-C. GRCh37 (hg19) VCF-style: chr11-62462060-T-C.
Other names: c.418A>G, p.Ile140Val (NM_001130702.2, NM_032667.6); c.610A>G, p.Ile204Val (NM_001386027.1, NM_001386028.1); short protein forms I204V, I140V.
Identifiers: ClinVar variation 1511967 (VCV001511967.6), dbSNP rs759642646, ClinGen allele CA6053524.